The following is an entry in ClinVar:

NM_000784.4(CYP27A1):c.50dup (p.Arg18fs)

Gene: CYP27A1 (cytochrome P450 family 27 subfamily A member 1; plus strand). Cytogenetic location: 2q35.
Variant type: Duplication.
Coding change: c.50dup on transcript NM_000784.4 (MANE Select); coding-DNA position 50, one base duplicated (G; older notation c.50dupG).
Protein change: p.Arg18fs; shifts the reading frame from arginine 18.
Molecular consequence: frameshift variant.
Genome position (GRCh38, 1-based): chr2:218,782,232, G duplicated; the last of 2 consecutive G bases (chr2:218,782,231-218,782,232); duplicating either gives the same sequence. VCF-style (leftmost placement, unchanged base first): chr2-218782230-C-CG. GRCh37 (hg19) VCF-style: chr2-219646953-C-CG.
Other names: short protein forms R18fs.
Identifiers: ClinVar variation 5011987 (VCV005011987.1).
Genomic context (GRCh38, chr2:218,782,230, plus strand): 5'-GCGAGCACAACCCATGGCTGCGCTGGGCTGCGCGAGGCTGAGGTGGGCGCTGCGAGGGGC[C>CG]GGCCGTGGCCTCTGCCCCCACGGGGCCAGAGCCAAGGCCGCGATCCCTGCCGCCCTCCCC-3'

ClinVar aggregate classification (germline): Pathogenic (1 of 4 stars; one submission).

Conditions:
Cholestanol storage disease (CTX). Also called: CEREBRAL CHOLESTERINOSIS; Cerebrotendinous Xanthomatosis; CTX: Cerebrotendinous xanthomatosis. Identifiers: Orphanet 909, MedGen C0238052, MONDO:0008948, OMIM 213700.

Submission:

Myriad Genetics, Inc.
Classification: Pathogenic for Cholestanol storage disease. Last evaluated: 2023-09-27. Review status: criteria provided, single submitter. Criteria: Myriad Autosomal Dominant, Autosomal Recessive and X-Linked Classification Criteria (2023). Collection method: clinical testing. Allele origin: unknown.
Comment: NM_000784.3(CYP27A1):c.50dupG(R18Pfs*163) is expected to be pathogenic in the context of cerebrotendinous xanthomatosis. This variant is predicted to lead to an abnormal or absent protein product due to the creation of a premature termination codon in CYP27A1, a gene where loss-of-function variants are known to be pathogenic. Please note: this variant was assessed in the context of healthy population screening.